The following is an entry in ClinVar:

NM_001201543.2(FAM161A):c.1929A>G (p.Ser643=)

Gene: FAM161A (FAM161 centrosomal protein A; minus strand). Cytogenetic location: 2p15.
Variant type: single nucleotide variant.
Coding change: c.1929A>G on transcript NM_001201543.2 (MANE Select); coding-DNA position 1929, A replaced by G.
Protein change: p.Ser643=; no amino-acid change (serine 643 retained).
Molecular consequence: synonymous variant. On other transcripts: non-coding transcript variant (1).
Genome position (GRCh38, 1-based): chr2:61,827,181, T>C on the plus strand (A>G on the coding strand, the complement: FAM161A is on the minus strand). VCF-style: chr2-61827181-T-C. GRCh37 (hg19) VCF-style: chr2-62054316-T-C.
Other names: c.1761A>G, p.Ser587= (NM_032180.3).
Identifiers: ClinVar variation 287585 (VCV000287585.22), dbSNP rs369633003, ClinGen allele CA1678990.

ClinVar aggregate classification (germline): Conflicting classifications of pathogenicity. Review status: criteria provided, conflicting classifications (1 of 4 stars). 5 submissions from 5 submitters: Uncertain significance (2); Likely benign (2). 1 of the submissions does not count toward it. Last evaluated 2025-11-08.

Conditions:
FAM161A-related disorder. Also called: FAM161A-related condition.
Retinitis pigmentosa (RP). Identifiers: Orphanet 791, MedGen C0035334, MeSH D012174, MONDO:0019200, OMIM 268000. Inheritance: Autosomal dominant, autosomal recessive and X linked inheritance.

Allele frequency attached by ClinVar (database versions not stated): gnomAD exomes 0.00004 and 0.00010; ExAC 0.00012; TOPMed 0.00036; 1000 Genomes Project 0.00040; gnomAD 0.00040 and 0.00042; ESP Exome Variant Server 0.00051; 1000 Genomes Project 30x 0.00062.
gnomAD v4.1: 118 of 1,614,010 alleles (0.0073%); highest among the groups gnomAD compares: African/African-American, 0.15%; no homozygotes.

Submissions (5):

Labcorp Genetics (formerly Invitae), Labcorp
Classification: Likely benign. Last evaluated: 2025-11-08. Review status: criteria provided, single submitter. Criteria: Invitae Variant Classification Sherloc (09022015). Collection method: clinical testing. Allele origin: germline.

Blueprint Genetics
Classification: Likely benign. Last evaluated: 2024-02-12. Review status: criteria provided, single submitter. Criteria: ACMG Guidelines, 2015. Collection method: clinical testing. Allele origin: germline.

Illumina Laboratory Services, Illumina
Classification: Uncertain significance for Retinitis pigmentosa. Last evaluated: 2018-01-13. Review status: criteria provided, single submitter. Criteria: ICSL Variant Classification Criteria 13 December 2019. Collection method: clinical testing. Allele origin: germline.

Eurofins Ntd Llc (ga)
Classification: Uncertain significance. Last evaluated: 2016-05-20. Review status: criteria provided, single submitter. Criteria: EGL Classification Definitions 2015. Collection method: clinical testing. Allele origin: germline. Observed: 1 variant allele, 1 heterozygote.

PreventionGenetics, part of Exact Sciences
Classification: Likely benign for FAM161A-related condition. Last evaluated: 2019-10-31. Review status: no assertion criteria provided. Collection method: clinical testing. Allele origin: germline. Not counted in ClinVar's aggregate classification.
Comment: This variant is classified as likely benign based on ACMG/AMP sequence variant interpretation guidelines (Richards et al. 2015 PMID: 25741868, with internal and published modifications).